The following is an entry in ClinVar:

NM_000093.5(COL5A1):c.2092_2093delinsCA (p.Val698His)

Gene: COL5A1 (collagen type V alpha 1 chain; plus strand). Cytogenetic location: 9q34.3.
Variant type: Indel.
Coding change: c.2092_2093delinsCA on transcript NM_000093.5 (MANE Select); coding-DNA positions 2092 to 2093, GT replaced by CA.
Protein change: p.Val698His; replaces valine 698 with histidine.
Molecular consequence: missense variant.
Genome position (GRCh38, 1-based): chr9:134,766,457-134,766,458, GT replaced by CA. VCF-style: chr9-134766457-GT-CA. GRCh37 (hg19) VCF-style: chr9-137658303-GT-CA.
Other names: c.2092_2093delinsCA, p.Val698His (NM_001278074.1); short protein forms V698H.
Identifiers: ClinVar variation 519652 (VCV000519652.16), dbSNP rs1554796087, ClinGen allele CA658797371.

ClinVar aggregate classification (germline): Uncertain significance. Review status: criteria provided, multiple submitters, no conflicts (2 of 4 stars). 3 submissions from 3 submitters: Uncertain significance (3). Last evaluated 2025-10-02.

Conditions:
Familial thoracic aortic aneurysm and aortic dissection (TAAD). Also called: Thoracic aortic aneurysms and dissections. Identifiers: Orphanet 91387, MedGen C4707243, MONDO:0019625.
Ehlers-Danlos syndrome, classic type, 1 (EDSCL1). Also called: Ehlers-Danlos Syndrome, Classic Type, COL5A1-Related; EDS I; Ehlers-Danlos syndrome, type 1; EHLERS-DANLOS SYNDROME, GRAVIS TYPE; EHLERS-DANLOS SYNDROME, SEVERE CLASSIC TYPE. Identifiers: MedGen C0268335, MONDO:0019567, OMIM 130000.

Submissions (3):

Labcorp Genetics (formerly Invitae), Labcorp
Classification: Uncertain significance for Ehlers-Danlos syndrome, classic type, 1. Last evaluated: 2025-10-02. Review status: criteria provided, single submitter. Criteria: Invitae Variant Classification Sherloc (09022015). Collection method: clinical testing. Allele origin: germline.
Comment: This sequence change replaces valine, which is neutral and non-polar, with histidine, which is basic and polar, at codon 698 of the COL5A1 protein (p.Val698His). This variant is present in population databases (no rsID available, gnomAD 0.0008%). This variant has not been reported in the literature in individuals affected with COL5A1-related conditions. ClinVar contains an entry for this variant (Variation ID: 519652). An algorithm developed to predict the effect of missense changes on protein structure and function (PolyPhen-2) suggests that this variant is likely to be disruptive. In summary, the available evidence is currently insufficient to determine the role of this variant in disease. Therefore, it has been classified as a Variant of Uncertain Significance.

ARUP Laboratories, Molecular Genetics and Genomics, ARUP Laboratories
Classification: Uncertain significance. Last evaluated: 2024-07-22. Review status: criteria provided, single submitter. Criteria: ARUP Molecular Germline Variant Investigation Process 2024. Collection method: clinical testing. Allele origin: germline.
Comment: The COL5A1 c.2092_2093delinsCA; p.Val698His variant (rs1554796087), to our knowledge, is not reported in the medical literature but is reported in ClinVar (Variation ID: 519652). This variant is only observed on two alleles in the Genome Aggregation Database (v2.1.1), indicating it is not a common polymorphism. Due to limited information, the clinical significance of this variant is uncertain at this time.

Ambry Genetics
Classification: Uncertain significance for Familial thoracic aortic aneurysm and aortic dissection. Last evaluated: 2017-05-25. Review status: criteria provided, single submitter. Criteria: Ambry Variant Classification Scheme 2023. Collection method: clinical testing. Allele origin: germline.
Comment: The c.2092_2093delGTinsCA variant (also known as p.V698H), located in coding exon 22 of the COL5A1 gene, results from an in-frame deletion of GT and insertion of CA at nucleotide positions 2092 to 2093. This results in the substitution of the valine residue for a histidine residue at codon 698, an amino acid with similar properties. This amino acid position is highly conserved in available vertebrate species. Since supporting evidence is limited at this time, the clinical significance of this alteration remains unclear.